The following is an entry in ClinVar:

NM_004667.6(HERC2):c.7727T>C (p.Met2576Thr)

Gene: HERC2 (HECT and RLD domain containing E3 ubiquitin protein ligase 2; minus strand). Cytogenetic location: 15q13.1.
Variant type: single nucleotide variant.
Coding change: c.7727T>C on transcript NM_004667.6 (MANE Select); coding-DNA position 7727, T replaced by C.
Protein change: p.Met2576Thr; replaces methionine 2576 with threonine.
Molecular consequence: missense variant.
Genome position (GRCh38, 1-based): chr15:28,198,759, A>G on the plus strand (T>C on the coding strand, the complement: HERC2 is on the minus strand). VCF-style: chr15-28198759-A-G. GRCh37 (hg19) VCF-style: chr15-28443905-A-G.
Other names: short protein forms M2576T.
Identifiers: ClinVar variation 1316435 (VCV001316435.2), dbSNP rs1897602858, ClinGen allele CA391394150.

ClinVar aggregate classification (germline): Uncertain significance (1 of 4 stars; one submission).

Submission:

GeneDx
Classification: Uncertain significance. Last evaluated: 2020-01-10. Review status: criteria provided, single submitter. Criteria: GeneDx Variant Classification Process June 2021. Collection method: clinical testing. Allele origin: germline. Affected: yes.
Comment: Not observed in large population cohorts (Lek et al., 2016); In silico analysis, which includes protein predictors and evolutionary conservation, supports that this variant does not alter protein structure/function; Has not been previously published as pathogenic or benign to our knowledge